The following is an entry in ClinVar:

ClinVar aggregate classification (germline): Conflicting classifications of pathogenicity. Review status: criteria provided, conflicting classifications (1 of 4 stars). 4 submissions from 4 submitters: Uncertain significance (3); Likely benign (1). Last evaluated 2025-07-31.

Conditions:
Hereditary cancer-predisposing syndrome. Also called: Neoplastic Syndromes, Hereditary; Hereditary Cancer Syndrome; Tumor predisposition; Hereditary neoplastic syndrome. Identifiers: Orphanet 140162, MedGen C0027672, MeSH D009386, MONDO:0015356.
Tumor predisposition syndrome 3 (TPDS3). Also called: Melanoma, cutaneous malignant, susceptibility to, 10; Glioma susceptibility 9; LONG TELOMERE SYNDROME, POT1-RELATED; POT1 Tumor Predisposition. Identifiers: Orphanet 618, MedGen C4014476, MONDO:0014368, OMIM 615848.

Allele frequency attached by ClinVar (database versions not stated): gnomAD exomes 0.00001; ESP Exome Variant Server 0.00008.
gnomAD v4.1: 10 of 1,611,018 alleles (0.00062%); highest among the groups gnomAD compares: Non-Finnish European, 0.00076%; no homozygotes.

Submissions (4):

Labcorp Genetics (formerly Invitae), Labcorp
Classification: Uncertain significance for Tumor predisposition syndrome 3. Last evaluated: 2025-07-31. Review status: criteria provided, single submitter. Criteria: Invitae Variant Classification Sherloc (09022015). Collection method: clinical testing. Allele origin: germline.
Comment: This sequence change replaces alanine, which is neutral and non-polar, with threonine, which is neutral and polar, at codon 299 of the POT1 protein (p.Ala299Thr). This variant is not present in population databases (gnomAD no frequency). This variant has not been reported in the literature in individuals affected with POT1-related conditions. ClinVar contains an entry for this variant (Variation ID: 656988). Invitae Evidence Modeling of protein sequence and biophysical properties (such as structural, functional, and spatial information, amino acid conservation, physicochemical variation, residue mobility, and thermodynamic stability) indicates that this missense variant is not expected to disrupt POT1 protein function with a negative predictive value of 80%. In summary, the available evidence is currently insufficient to determine the role of this variant in disease. Therefore, it has been classified as a Variant of Uncertain Significance.

Ambry Genetics
Classification: Likely benign for Hereditary cancer-predisposing syndrome. Last evaluated: 2025-02-03. Review status: criteria provided, single submitter. Criteria: Ambry Variant Classification Scheme 2023. Collection method: clinical testing. Allele origin: germline.

Quest Diagnostics Nichols Institute San Juan Capistrano
Classification: Uncertain significance. Last evaluated: 2024-07-02. Review status: criteria provided, single submitter. Criteria: Quest Diagnostics criteria. Collection method: clinical testing. Allele origin: unknown.
Comment: The POT1 c.895G>A (p.Ala299Thr) variant has not been reported in individuals with POT1-related conditions in the published literature. It also has not been reported in large, multi-ethnic general populations (Genome Aggregation Database). Analysis of this variant using bioinformatics tools for the prediction of the effect of amino acid changes on protein structure and function yielded predictions that this variant is benign. Based on the available information, we are unable to determine the clinical significance of this variant.

Blueprint Genetics
Classification: Uncertain significance. Last evaluated: 2024-03-28. Review status: criteria provided, single submitter. Criteria: ACMG Guidelines, 2015. Collection method: clinical testing. Allele origin: germline.

NM_015450.3(POT1):c.895G>A (p.Ala299Thr)

Gene: POT1 (protection of telomeres 1; minus strand). Cytogenetic location: 7q31.33.
Variant type: single nucleotide variant.
Coding change: c.895G>A on transcript NM_015450.3 (MANE Select); coding-DNA position 895, G replaced by A.
Protein change: p.Ala299Thr; replaces alanine 299 with threonine.
Molecular consequence: missense variant. On other transcripts: non-coding transcript variant (3).
Genome position (GRCh38, 1-based): chr7:124,851,926, C>T on the plus strand (G>A on the coding strand, the complement: POT1 is on the minus strand). VCF-style: chr7-124851926-C-T. GRCh37 (hg19) VCF-style: chr7-124491980-C-T.
Other names: c.502G>A, p.Ala168Thr (NM_001042594.2); short protein forms A168T, A299T.
Identifiers: ClinVar variation 656988 (VCV000656988.14), dbSNP rs149273459, ClinGen allele CA166064035.